The following is an entry in ClinVar:

NM_002617.4(PEX10):c.211G>T (p.Glu71Ter)

Gene: PEX10 (peroxisomal biogenesis factor 10; minus strand). Cytogenetic location: 1p36.32.
Variant type: single nucleotide variant.
Coding change: c.211G>T on transcript NM_002617.4 (MANE Select); coding-DNA position 211, G replaced by T.
Protein change: p.Glu71Ter; replaces glutamic acid 71 with a stop codon.
Molecular consequence: nonsense. On other transcripts: 5 prime UTR variant (2), non-coding transcript variant (1).
Genome position (GRCh38, 1-based): chr1:2,408,841, C>A on the plus strand (G>T on the coding strand, the complement: PEX10 is on the minus strand). VCF-style: chr1-2408841-C-A. GRCh37 (hg19) VCF-style: chr1-2340280-C-A.
Other names: c.211G>T, p.Glu71Ter (NM_001374425.1, NM_153818.2); c.-222G>T (NM_001374426.1, NM_001374427.1); short protein forms E71*.
Identifiers: ClinVar variation 1454209 (VCV001454209.6), dbSNP rs1291325133, ClinGen allele CA337989103.

ClinVar aggregate classification (germline): Pathogenic (1 of 4 stars; one submission).

Conditions:
Peroxisome biogenesis disorder, complementation group 7 (CG7). Also called: Peroxisome biogenesis disorder, complementation group B. Identifiers: MedGen C1864399.

Allele frequency attached by ClinVar (database versions not stated): gnomAD 0.00001; TOPMed 0.00001.
gnomAD v4.1: 1 of 1,613,868 alleles (0.000062%); highest among the groups gnomAD compares: Admixed American, 0.0017%; no homozygotes.

Submission:

Labcorp Genetics (formerly Invitae), Labcorp
Classification: Pathogenic for Peroxisome biogenesis disorder, complementation group 7. Last evaluated: 2020-10-28. Review status: criteria provided, single submitter. Criteria: Invitae Variant Classification Sherloc (09022015). Collection method: clinical testing. Allele origin: germline.
Comment: This variant has not been reported in the literature in individuals with PEX10-related conditions. This variant is not present in population databases (ExAC no frequency). This sequence change creates a premature translational stop signal (p.Glu71*) in the PEX10 gene. It is expected to result in an absent or disrupted protein product. Loss-of-function variants in PEX10 are known to be pathogenic (PMID: 9683594, 10862081, 21031596). Algorithms developed to predict the effect of sequence changes on RNA splicing suggest that this variant may create or strengthen a splice site, but this prediction has not been confirmed by published transcriptional studies. For these reasons, this variant has been classified as Pathogenic.

Literature cited by the submitters: PubMed 9683594; PubMed 10862081; PubMed 21031596.